The following is an entry in ClinVar:

ClinVar aggregate classification (germline): Uncertain significance (1 of 4 stars; one submission).

Conditions:
Immunodeficiency, common variable, 7. Identifiers: Orphanet 1572, Orphanet 696894, MedGen C3542922, MONDO:0013862, OMIM 614699.

Submission:

Labcorp Genetics (formerly Invitae), Labcorp
Classification: Uncertain significance for Immunodeficiency, common variable, 7. Last evaluated: 2022-05-12. Review status: criteria provided, single submitter. Criteria: Invitae Variant Classification Sherloc (09022015). Collection method: clinical testing. Allele origin: germline.
Comment: Algorithms developed to predict the effect of missense changes on protein structure and function are either unavailable or do not agree on the potential impact of this missense change (SIFT: "Deleterious"; PolyPhen-2: "Benign"; Align-GVGD: "Class C0"). In summary, the available evidence is currently insufficient to determine the role of this variant in disease. Therefore, it has been classified as a Variant of Uncertain Significance. This variant has not been reported in the literature in individuals affected with CR2-related conditions. This sequence change replaces isoleucine, which is neutral and non-polar, with leucine, which is neutral and non-polar, at codon 288 of the CR2 protein (p.Ile288Leu). This variant is not present in population databases (gnomAD no frequency).

NM_001006658.3(CR2):c.862A>T (p.Ile288Leu)

Genes: CR2 (complement C3d receptor 2; plus strand), LOC126805994 (BRD4-independent group 4 enhancer GRCh37_chr1:207642622-207643821; plus strand). Cytogenetic location: 1q32.2.
Variant type: single nucleotide variant.
Coding change: c.862A>T on transcript NM_001006658.3 (MANE Select); coding-DNA position 862, A replaced by T.
Protein change: p.Ile288Leu; replaces isoleucine 288 with leucine.
Molecular consequence: missense variant.
Genome position (GRCh38, 1-based): chr1:207,469,739, A>T. VCF-style: chr1-207469739-A-T. GRCh37 (hg19) VCF-style: chr1-207643084-A-T.
Other names: c.862A>T, p.Ile288Leu (NM_001877.5); short protein forms I288L.
Identifiers: ClinVar variation 1993358 (VCV001993358.4), dbSNP rs758272030, ClinGen allele CA344527856.